The following is an entry in ClinVar:

ClinVar aggregate classification (germline): Uncertain significance (1 of 4 stars; one submission).

Conditions:
Hereditary cancer-predisposing syndrome. Also called: Neoplastic Syndromes, Hereditary; Tumor predisposition; Hereditary neoplastic syndrome; Hereditary Cancer Syndrome. Identifiers: Orphanet 140162, MedGen C0027672, MeSH D009386, MONDO:0015356.

Submission:

Ambry Genetics
Classification: Uncertain significance for Hereditary cancer-predisposing syndrome. Last evaluated: 2026-07-07. Review status: criteria provided, single submitter. Criteria: Ambry Variant Classification Scheme 2023. Collection method: clinical testing. Allele origin: germline.
Comment: The p.P62Q variant (also known as c.185C>A), located in coding exon 1 of the PHOX2B gene, results from a C to A substitution at nucleotide position 185. The proline at codon 62 is replaced by glutamine, an amino acid with similar properties. This amino acid position is conserved. In addition, the in silico prediction for this alteration is inconclusive. Based on the available evidence, the clinical significance of this variant remains unclear.

NM_003924.4(PHOX2B):c.185C>A (p.Pro62Gln)

Genes: PHOX2B (paired like homeobox 2B; minus strand), PHOX2B-AS1 (PHOX2B antisense RNA 1; plus strand). Cytogenetic location: 4p13.
Variant type: single nucleotide variant.
Coding change: c.185C>A on transcript NM_003924.4 (MANE Select); coding-DNA position 185, C replaced by A.
Protein change: p.Pro62Gln; replaces proline 62 with glutamine.
Molecular consequence: missense variant. On other transcripts: non-coding transcript variant (1).
Genome position (GRCh38, 1-based): chr4:41,748,426, G>T on the plus strand (C>A on the coding strand, the complement: PHOX2B is on the minus strand). VCF-style: chr4-41748426-G-T. GRCh37 (hg19) VCF-style: chr4-41750443-G-T.
Other names: short protein forms P62Q.
Identifiers: ClinVar variation 5026582 (VCV005026582.1).